The following is an entry in ClinVar:

ClinVar aggregate classification (germline): Pathogenic/Likely pathogenic. Review status: criteria provided, multiple submitters, no conflicts (2 of 4 stars). 2 submissions from 2 submitters: Pathogenic (1); Likely pathogenic (1). Last evaluated 2023-09-12.

Conditions:
SLC12A3-related disorder. Also called: SLC12A3-related condition.

Submissions (2):

Labcorp Genetics (formerly Invitae), Labcorp
Classification: Pathogenic. Last evaluated: 2023-09-12. Review status: criteria provided, single submitter. Criteria: Invitae Variant Classification Sherloc (09022015). Collection method: clinical testing. Allele origin: germline.
Comment: For these reasons, this variant has been classified as Pathogenic. Algorithms developed to predict the effect of sequence changes on RNA splicing suggest that this variant may create or strengthen a splice site. ClinVar contains an entry for this variant (Variation ID: 2137816). This premature translational stop signal has been observed in individual(s) with Gitelman syndrome (PMID: 26121437). This variant is not present in population databases (gnomAD no frequency). This sequence change creates a premature translational stop signal (p.Trp151*) in the SLC12A3 gene. It is expected to result in an absent or disrupted protein product. Loss-of-function variants in SLC12A3 are known to be pathogenic (PMID: 20848653, 22009145, 25841442).

Blueprint Genetics
Classification: Likely pathogenic for SLC12A3-related disorders. Last evaluated: 2023-07-18. Review status: criteria provided, single submitter. Criteria: ACMG Guidelines, 2015. Collection method: clinical testing. Allele origin: germline. Affected: yes. Observed: 2 variant alleles.

Literature cited by the submitters: PubMed 26121437 (cited by Labcorp Genetics (formerly Invitae), Labcorp); PubMed 20848653 (cited by Labcorp Genetics (formerly Invitae), Labcorp); PubMed 22009145 (cited by Labcorp Genetics (formerly Invitae), Labcorp); PubMed 25841442 (cited by Labcorp Genetics (formerly Invitae), Labcorp).

NM_001126108.2(SLC12A3):c.452G>A (p.Trp151Ter)

Gene: SLC12A3 (solute carrier family 12 member 3; plus strand). Cytogenetic location: 16q13.
Variant type: single nucleotide variant.
Coding change: c.452G>A on transcript NM_001126108.2 (MANE Select); coding-DNA position 452, G replaced by A.
Protein change: p.Trp151Ter; replaces tryptophan 151 with a stop codon.
Molecular consequence: nonsense.
Genome position (GRCh38, 1-based): chr16:56,868,319, G>A. VCF-style: chr16-56868319-G-A. GRCh37 (hg19) VCF-style: chr16-56902231-G-A.
Other names: c.452G>A, p.Trp151Ter (NM_000339.3); c.449G>A, p.Trp150Ter (NM_001126107.2, NM_001410896.1); short protein forms W150*, W151*.
Identifiers: ClinVar variation 2137816 (VCV002137816.5), dbSNP rs2543475783, ClinGen allele CA395979465.